The following is an entry in ClinVar:

ClinVar aggregate classification (germline): Uncertain significance. Review status: criteria provided, multiple submitters, no conflicts (2 of 4 stars). 3 submissions from 3 submitters: Uncertain significance (3). Last evaluated 2023-11-22.

Conditions:
Hereditary breast ovarian cancer syndrome. Also called: BRCA1- and BRCA2-Associated Hereditary Breast and Ovarian Cancer; Hereditary breast and/or ovarian cancer syndrome; Hereditary breast and ovarian cancer syndrome; Hereditary breast and ovarian cancer; Hereditary breast and ovarian cancer syndrome (HBOC); Breast and ovarian cancer. Identifiers: Orphanet 145, MedGen C0677776, MeSH D061325, MONDO:0003582. Disease mechanism: loss of function.
Hereditary cancer-predisposing syndrome. Also called: Hereditary neoplastic syndrome; Neoplastic Syndromes, Hereditary; Tumor predisposition; Hereditary Cancer Syndrome. Identifiers: Orphanet 140162, MedGen C0027672, MeSH D009386, MONDO:0015356.

gnomAD v4.1: 1 of 1,614,164 alleles (0.000062%); highest among the groups gnomAD compares: East Asian, 0.0022%; no homozygotes.

Submissions (3):

Ambry Genetics
Classification: Uncertain significance for Hereditary cancer-predisposing syndrome. Last evaluated: 2023-11-22. Review status: criteria provided, single submitter. Criteria: Ambry Variant Classification Scheme 2023. Collection method: clinical testing. Allele origin: germline.
Comment: The p.Q244* variant (also known as c.730C>T), located in coding exon 3 of the XRCC2 gene, results from a C to T substitution at nucleotide position 730. This changes the amino acid from a glutamine to a stop codon within coding exon 3. This alteration occurs at the 3' terminus of theXRCC2 gene, is not expected to trigger nonsense-mediated mRNAdecay, and only impacts the last 37 amino acids of the protein. The exact functional effect of this alteration is unknown. This alteration was identified in 1 of 13087 breast cancer cases and 0 of 5488 control individuals in the UK (Decker B et al. J Med Genet, 2017 Nov;54:732-741). Since supporting evidence is limited at this time, the clinical significance of this alteration remains unclear.

Cancer Genomics Group, Japanese Foundation For Cancer Research
Classification: Uncertain significance for Hereditary breast and ovarian cancer syndrome. Last evaluated: 2019-05-01. Review status: criteria provided, single submitter. Criteria: ACMG Guidelines, 2015. Collection method: research. Allele origin: germline. Affected: yes.

GeneDx
Classification: Uncertain significance. Last evaluated: 2016-11-07. Review status: criteria provided, single submitter. Criteria: GeneDx Variant Classification (06012015). Collection method: clinical testing. Allele origin: germline. Affected: yes.
Comment: This variant is denoted XRCC2 c.730C>T at the cDNA level and p.Gln244Ter (Q244X) at the protein level. The substitution creates a nonsense variant, which changes a Glutamine to a premature stop codon (CAA>TAA), and is predicted to cause loss of normal protein function through protein truncation. XRCC2 Gln244Ter results in the loss of amino acids at the end of the protein, which might affect normal function. However, due to the location of the newly created nonsense codon near the end of the gene, the transcript is not expected to undergo nonsense-mediated decay and could therefore encode a truncated protein that retains some normal function. This variant was not observed in approximately 6,500 individuals of European and African American ancestry in the NHLBI Exome Sequencing Project, suggesting it is not a common benign variant in these populations. Based on currently available evidence, it is unclear whether XRCC2 Gln244Ter is a pathogenic or benign variant. We consider it to be a variant of uncertain significance.

Literature cited by the submitters: PubMed 28779002 (cited by Ambry Genetics).

NM_005431.2(XRCC2):c.730C>T (p.Gln244Ter)

Gene: XRCC2 (X-ray repair cross complementing 2; minus strand). Cytogenetic location: 7q36.1.
Variant type: single nucleotide variant.
Coding change: c.730C>T on transcript NM_005431.2 (MANE Select); coding-DNA position 730, C replaced by T.
Protein change: p.Gln244Ter; replaces glutamine 244 with a stop codon.
Molecular consequence: nonsense.
Genome position (GRCh38, 1-based): chr7:152,648,755, G>A on the plus strand (C>T on the coding strand, the complement: XRCC2 is on the minus strand). VCF-style: chr7-152648755-G-A. GRCh37 (hg19) VCF-style: chr7-152345840-G-A.
Other names: short protein forms Q244*.
Identifiers: ClinVar variation 422714 (VCV000422714.5), dbSNP rs1064795954, ClinGen allele CA16618426.